The following is an entry in ClinVar:

NM_001387430.1(SH2B1):c.818G>A (p.Gly273Glu)

Gene: SH2B1 (SH2B adaptor protein 1; plus strand). Cytogenetic location: 16p11.2.
Variant type: single nucleotide variant.
Coding change: c.818G>A on transcript NM_001387430.1 (MANE Select); coding-DNA position 818, G replaced by A.
Protein change: p.Gly273Glu; replaces glycine 273 with glutamic acid.
Molecular consequence: missense variant. On other transcripts: intron variant (1).
Genome position (GRCh38, 1-based): chr16:28,866,912, G>A. VCF-style: chr16-28866912-G-A. GRCh37 (hg19) VCF-style: chr16-28878233-G-A.
Other names: c.818G>A, p.Gly273Glu (NM_001145795.2, NM_001145796.2, NM_001145797.2 and 4 more transcripts); c.-26-462G>A (NM_001308294.2); short protein forms G273E.
Identifiers: ClinVar variation 4990407 (VCV004990407.1).

ClinVar aggregate classification (germline): Uncertain significance (1 of 4 stars; one submission).

Conditions:
SH2B1-related disorder. Also called: SH2B1-related condition.

gnomAD v4.1: 16 of 1,612,014 alleles (0.00099%); highest among the groups gnomAD compares: Admixed American, 0.01%; no homozygotes.

Submission:

PreventionGenetics, part of Exact Sciences
Classification: Uncertain significance for SH2B1-related condition. Last evaluated: 2026-02-16. Review status: criteria provided, single submitter. Criteria: ACMG Guidelines, 2015. Collection method: clinical testing. Allele origin: germline.
Comment: The SH2B1 c.818G>A variant is predicted to result in the amino acid substitution p.Gly273Glu. To our knowledge, this variant has not been reported in the literature. This variant is reported in 0.012% of alleles in individuals of Latino descent in gnomAD. At this time, the clinical significance of this variant is uncertain due to the absence of conclusive functional and genetic evidence.